The following is an entry in ClinVar:

ClinVar aggregate classification (germline): Uncertain significance (1 of 4 stars; one submission).

Submission:

GeneDx
Classification: Uncertain significance. Last evaluated: 2024-06-27. Review status: criteria provided, single submitter. Criteria: GeneDx Variant Classification Process June 2021. Collection method: clinical testing. Allele origin: germline. Affected: yes.
Comment: Not observed at significant frequency in large population cohorts (gnomAD); In silico analysis supports that this missense variant has a deleterious effect on protein structure/function; Has not been previously published as pathogenic or benign to our knowledge

NM_001953.5(TYMP):c.1234G>A (p.Gly412Arg)

Genes: SCO2 (synthesis of cytochrome C oxidase 2; minus strand), TYMP (thymidine phosphorylase; minus strand), LOC130067862 (ATAC-STARR-seq lymphoblastoid silent region 13986; plus strand). Cytogenetic location: 22q13.33.
Variant type: single nucleotide variant.
Coding change: c.1234G>A on transcript NM_001953.5 (MANE Select); coding-DNA position 1234, G replaced by A.
Protein change: p.Gly412Arg; replaces glycine 412 with arginine.
Molecular consequence: missense variant. On other transcripts: 5 prime UTR variant (1), intron variant (1).
Genome position (GRCh38, 1-based): chr22:50,526,067, C>T on the plus strand (G>A on the coding strand, the complement: TYMP is on the minus strand). VCF-style: chr22-50526067-C-T. GRCh37 (hg19) VCF-style: chr22-50964496-C-T.
Other names: c.1234G>A, p.Gly412Arg (NM_001113755.3, NM_001113756.3, NM_001257988.1); c.1249G>A, p.Gly417Arg (NM_001257989.1); c.-80G>A (NM_001169110.1); c.-14+179G>A (NM_001169109.2); short protein forms G412R, G417R.
Identifiers: ClinVar variation 3392879 (VCV003392879.1).
Genomic context (GRCh38, chr22:50,526,067, plus strand): 5'-GCAGCCTCTGACCCACGTCGACCAGCAGCTCTGCGCCCACCCCCAGGCGGAGCGGCTCCC[C>T]AGCGCGGCTGCGCCCGGCCCCGAGCTCGTGCAGCACCAGCGCCAGCGGCAGCGCCCGGAC-3'
Protein context (NP_001944.1, residues 402-422): HELGAGRSRA[Gly412Arg]EPLRLGVGAE